The following is an entry in ClinVar:

ClinVar aggregate classification (germline): Conflicting classifications of pathogenicity. Review status: criteria provided, conflicting classifications (1 of 4 stars). 2 submissions from 2 submitters: Uncertain significance (1); Likely benign (1). Last evaluated 2025-04-22.

gnomAD v4.1: 1 of 1,614,264 alleles (0.000062%); no homozygotes.

Submissions (2):

Women's Health and Genetics/Laboratory Corporation of America, LabCorp
Classification: Uncertain significance. Last evaluated: 2025-04-22. Review status: criteria provided, single submitter. Criteria: LabCorp Variant Classification Summary - May 2015. Collection method: clinical testing. Allele origin: germline.
Comment: Variant summary: TCF20 c.2931C>T alters a conserved nucleotide resulting in a synonymous change. Several computational tools predict a significant impact on normal splicing: Two predict the variant strengthens a cryptic 3' acceptor site. Two predict the variant has no significant impact on splicing. However, these predictions have yet to be confirmed by functional studies. The variant was absent in 251476 control chromosomes. The available data on variant occurrences in the general population are insufficient to allow any conclusion about variant significance. To our knowledge, no occurrence of c.2931C>T in individuals affected with Developmental Delay With Variable Intellectual Impairment And Behavioral Abnormalities and no experimental evidence demonstrating its impact on protein function have been reported. ClinVar contains an entry for this variant (Variation ID: 3608154). Based on the evidence outlined above, the variant was classified as uncertain significance.

Labcorp Genetics (formerly Invitae), Labcorp
Classification: Likely benign. Last evaluated: 2024-05-14. Review status: criteria provided, single submitter. Criteria: Invitae Variant Classification Sherloc (09022015). Collection method: clinical testing. Allele origin: germline.

NM_001378418.1(TCF20):c.2931C>T (p.Asp977=)

Gene: TCF20 (transcription factor 20; minus strand). Cytogenetic location: 22q13.2.
Variant type: single nucleotide variant.
Coding change: c.2931C>T on transcript NM_001378418.1 (MANE Select); coding-DNA position 2931, C replaced by T.
Protein change: p.Asp977=; no amino-acid change (aspartic acid 977 retained).
Molecular consequence: synonymous variant.
Genome position (GRCh38, 1-based): chr22:42,212,375, G>A on the plus strand (C>T on the coding strand, the complement: TCF20 is on the minus strand). VCF-style: chr22-42212375-G-A. GRCh37 (hg19) VCF-style: chr22-42608381-G-A.
Other names: c.2931C>T, p.Asp977= (NM_005650.4, NM_181492.3).
Identifiers: ClinVar variation 3608154 (VCV003608154.4).
Genomic context (GRCh38, chr22:42,212,375, plus strand): 5'-ACCACCAACTCTGCCAGGGACCCGCCGCATTGGCGTGGGTCTGCTGTCTTGCGGGCCATA[G>A]TCTGAAAGGGAATCATGGGTTGCTGCTCCAGGGCTGGCATTGCCGCGGTAAGACTCATGC-3'
Protein context (NP_001365347.1, residues 967-987): PGAATHDSLS[Asp977=]YGPQDSRPTP